The following is an entry in ClinVar:

NM_018669.6(WDR4):c.410G>A (p.Cys137Tyr)

Gene: WDR4 (WDR4 tRNA N7-guanosine methyltransferase non-catalytic subunit; minus strand). Cytogenetic location: 21q22.3.
Variant type: single nucleotide variant.
Coding change: c.410G>A on transcript NM_018669.6 (MANE Select); coding-DNA position 410, G replaced by A.
Protein change: p.Cys137Tyr; replaces cysteine 137 with tyrosine.
Molecular consequence: missense variant. On other transcripts: 5 prime UTR variant (3), non-coding transcript variant (1).
Genome position (GRCh38, 1-based): chr21:42,863,483, C>T on the plus strand (G>A on the coding strand, the complement: WDR4 is on the minus strand). VCF-style: chr21-42863483-C-T. GRCh37 (hg19) VCF-style: chr21-44283593-C-T.
Other names: c.410G>A, p.Cys137Tyr (NM_001260474.2, NM_033661.5); c.-29G>A (NM_001260475.2, NM_001260476.2, NM_001260477.2 and 1 more transcripts); short protein forms C137Y.
Identifiers: ClinVar variation 2635103 (VCV002635103.1), dbSNP rs945864323, ClinGen allele CA410393860.

ClinVar aggregate classification (germline): Uncertain significance (1 of 4 stars; one submission).

Conditions:
WDR4-related disorder. Also called: WDR4-Related Disorders; WDR4-related condition.

Submission:

PreventionGenetics, part of Exact Sciences
Classification: Uncertain significance for WDR4-related condition. Last evaluated: 2023-06-19. Review status: criteria provided, single submitter. Criteria: ACMG Guidelines, 2015. Collection method: clinical testing. Allele origin: germline.
Comment: The WDR4 c.410G>A variant is predicted to result in the amino acid substitution p.Cys137Tyr. To our knowledge, this variant has not been reported in the literature or in a large population database, indicating this variant is rare. At this time, the clinical significance of this variant is uncertain due to the absence of conclusive functional and genetic evidence.